The following is an entry in ClinVar:

NM_006206.6(PDGFRA):c.2332G>A (p.Val778Ile)

Gene: PDGFRA (platelet derived growth factor receptor alpha; plus strand). Cytogenetic location: 4q12.
Variant type: single nucleotide variant.
Coding change: c.2332G>A on transcript NM_006206.6 (MANE Select); coding-DNA position 2332, G replaced by A.
Protein change: p.Val778Ile; replaces valine 778 with isoleucine.
Molecular consequence: missense variant.
Genome position (GRCh38, 1-based): chr4:54,285,379, G>A. VCF-style: chr4-54285379-G-A. GRCh37 (hg19) VCF-style: chr4-55151546-G-A.
Other names: c.2407G>A, p.Val803Ile (NM_001347828.2); c.2332G>A, p.Val778Ile (NM_001347829.2); c.2371G>A, p.Val791Ile (NM_001347830.2); short protein forms V778I, V803I, V791I.
Identifiers: ClinVar variation 836191 (VCV000836191.10), dbSNP rs200808048, ClinGen allele CA96866261.
Genomic context (GRCh38, chr4:54,285,379, plus strand): 5'-GATGATTTCCTGCTGCCTGCCAGCACCAATACATTTAATTTCTTTTCTGCAGACTCAGAA[G>A]TCAAAAACCTCCTTTCAGATGATAACTCAGAAGGCCTTACTTTATTGGATTTGTTGAGCT-3'
Protein context (NP_006197.1, residues 768-788): YKKKSMLDSE[Val778Ile]KNLLSDDNSE

ClinVar aggregate classification (germline): Uncertain significance (1 of 4 stars; one submission).

Conditions:
Gastrointestinal stromal tumor. Also called: Gastrointestinal stromal tumor, somatic; Gastrointestinal stroma tumor. Identifiers: Orphanet 44890, MedGen C0238198, MeSH D046152, MONDO:0011719, OMIM 606764, HP:0100723.

Submission:

Labcorp Genetics (formerly Invitae), Labcorp
Classification: Uncertain significance for Gastrointestinal stromal tumor. Last evaluated: 2024-08-22. Review status: criteria provided, single submitter. Criteria: Invitae Variant Classification Sherloc (09022015). Collection method: clinical testing. Allele origin: germline.
Comment: This sequence change replaces valine, which is neutral and non-polar, with isoleucine, which is neutral and non-polar, at codon 778 of the PDGFRA protein (p.Val778Ile). This variant is not present in population databases (gnomAD no frequency). This variant has not been reported in the literature in individuals affected with PDGFRA-related conditions. ClinVar contains an entry for this variant (Variation ID: 836191). Invitae Evidence Modeling of protein sequence and biophysical properties (such as structural, functional, and spatial information, amino acid conservation, physicochemical variation, residue mobility, and thermodynamic stability) indicates that this missense variant is not expected to disrupt PDGFRA protein function with a negative predictive value of 80%. In summary, the available evidence is currently insufficient to determine the role of this variant in disease. Therefore, it has been classified as a Variant of Uncertain Significance.